The following is an entry in ClinVar:

ClinVar aggregate classification (germline): Uncertain significance (1 of 4 stars; one submission).

Allele frequency attached by ClinVar (database versions not stated): TOPMed below 0.00001; ExAC 0.00001; gnomAD 0.00001; gnomAD exomes 0.00001; 1000 Genomes Project 30x 0.00016; 1000 Genomes Project 0.00020.
gnomAD v4.1: 15 of 1,614,128 alleles (0.00093%); highest among the groups gnomAD compares: African/African-American, 0.0013%; no homozygotes.

Submission:

Labcorp Genetics (formerly Invitae), Labcorp
Classification: Uncertain significance. Last evaluated: 2022-08-16. Review status: criteria provided, single submitter. Criteria: Invitae Variant Classification Sherloc (09022015). Collection method: clinical testing. Allele origin: germline.
Comment: In summary, the available evidence is currently insufficient to determine the role of this variant in disease. Therefore, it has been classified as a Variant of Uncertain Significance. Algorithms developed to predict the effect of missense changes on protein structure and function are either unavailable or do not agree on the potential impact of this missense change (SIFT: "Not Available"; PolyPhen-2: "Probably Damaging"; Align-GVGD: "Not Available"). This variant has not been reported in the literature in individuals affected with ADAMTS18-related conditions. This variant is present in population databases (rs201049858, gnomAD 0.007%). This sequence change replaces tryptophan, which is neutral and slightly polar, with serine, which is neutral and polar, at codon 1000 of the ADAMTS18 protein (p.Trp1000Ser).

NM_199355.4(ADAMTS18):c.2999G>C (p.Trp1000Ser)

Gene: ADAMTS18 (ADAM metallopeptidase with thrombospondin type 1 motif 18; minus strand). Cytogenetic location: 16q23.1.
Variant type: single nucleotide variant.
Coding change: c.2999G>C on transcript NM_199355.4 (MANE Select); coding-DNA position 2999, G replaced by C.
Protein change: p.Trp1000Ser; replaces tryptophan 1000 with serine.
Molecular consequence: missense variant.
Genome position (GRCh38, 1-based): chr16:77,294,930, C>G on the plus strand (G>C on the coding strand, the complement: ADAMTS18 is on the minus strand). VCF-style: chr16-77294930-C-G. GRCh37 (hg19) VCF-style: chr16-77328827-C-G.
Other names: c.2483G>C, p.Trp828Ser (NM_001326358.2); short protein forms W1000S, W828S.
Identifiers: ClinVar variation 2084484 (VCV002084484.4), dbSNP rs201049858, ClinGen allele CA8180673.
Genomic context (GRCh38, chr16:77,294,930, plus strand): 5'-CTTTTGCCTTCATGGGGACCGAGAATAGTAACTCCCAAGTTTTCTCCTGTTACCTGAGAC[C>G]AGGGTCCAAGGCTCCATTGTGGAGGGCAGGCATGGCTGTTGCAGGCTTGGACCTGAGTGG-3'
Protein context (NP_955387.1, residues 990-1010): ACPPQWSLGP[Trp1000Ser]SQCSKTCGRG